The following is an entry in ClinVar:

NM_139076.3(ABRAXAS1):c.1A>C (p.Met1Leu)

Genes: ABRAXAS1 (abraxas 1, BRCA1 A complex subunit; minus strand), LOC129992784 (ATAC-STARR-seq lymphoblastoid silent region 15542; plus strand). Cytogenetic location: 4q21.23.
Variant type: single nucleotide variant.
Coding change: c.1A>C on transcript NM_139076.3 (MANE Select); coding-DNA position 1, A replaced by C.
Protein change: p.Met1Leu; changes the start codon (methionine 1).
Molecular consequence: missense variant, initiator codon variant. On other transcripts: 5 prime UTR variant (1).
Genome position (GRCh38, 1-based): chr4:83,485,072, T>G on the plus strand (A>C on the coding strand, the complement: ABRAXAS1 is on the minus strand). VCF-style: chr4-83485072-T-G. GRCh37 (hg19) VCF-style: chr4-84406225-T-G.
Other names: c.-260A>C (NM_001345962.2); short protein forms M1L.
Identifiers: ClinVar variation 633204 (VCV000633204.11), dbSNP rs369467990, ClinGen allele CA2990701.

ClinVar aggregate classification (germline): Uncertain significance. Review status: criteria provided, multiple submitters, no conflicts (2 of 4 stars). 2 submissions from 2 submitters: Uncertain significance (2). Last evaluated 2025-07-11.

Allele frequency attached by ClinVar (database versions not stated): TOPMed 0.00002; ESP Exome Variant Server 0.00025.

Submissions (2):

Women's Health and Genetics/Laboratory Corporation of America, LabCorp
Classification: Uncertain significance. Last evaluated: 2025-07-11. Review status: criteria provided, single submitter. Criteria: LabCorp Variant Classification Summary - May 2015. Collection method: clinical testing. Allele origin: germline.
Comment: Variant summary: FAM175A c.1A>C (p.Met1Leu) alters the initiation codon and is predicted to result either in absence of the protein or truncation of the encoded protein due to translation initiation at a downstream codon. An alternative downstream in-frame start codon (Met50) is located in the encoded protein. To our knowledge no pathogenic variants have been reported upstream of this codon. The variant allele was found at a frequency of 3.2e-05 in 1586440 control chromosomes, predominantly at a frequency of 4.1e-05 within the Non-Finnish European subpopulation in the gnomAD database. The observed variant frequency within Non-Finnish European control individuals in the gnomAD database is approximately 1.31 fold of the estimated maximal expected allele frequency for a pathogenic variant in FAM175A causing Hereditary Breast And Ovarian Cancer Syndrome phenotype (3.1e-05). To our knowledge, no occurrence of c.1A>C in individuals affected with Hereditary Breast And Ovarian Cancer Syndrome and no experimental evidence demonstrating its impact on protein function have been reported. ClinVar contains an entry for this variant (Variation ID: 633204). Based on the evidence outlined above, the variant was classified as uncertain significance.

Labcorp Genetics (formerly Invitae), Labcorp
Classification: Uncertain significance. Last evaluated: 2023-01-13. Review status: criteria provided, single submitter. Criteria: Invitae Variant Classification Sherloc (09022015). Collection method: clinical testing. Allele origin: germline.
Comment: In summary, the available evidence is currently insufficient to determine the role of this variant in disease. Therefore, it has been classified as a Variant of Uncertain Significance. ClinVar contains an entry for this variant (Variation ID: 633204). This variant has not been reported in the literature in individuals affected with ABRAXAS1-related conditions. This variant is present in population databases (rs369467990, gnomAD 0.004%). This sequence change affects the initiator methionine of the ABRAXAS1 mRNA. The next in-frame methionine is located at codon 50.